The following is an entry in ClinVar:

NM_001369.3(DNAH5):c.5790GAT[2] (p.Met1932del)

Gene: DNAH5 (dynein axonemal heavy chain 5; minus strand). Cytogenetic location: 5p15.2.
Variant type: Microsatellite.
Coding change: c.5790GAT[2] on transcript NM_001369.3 (MANE Select); two copies in a row of the 3-base unit GAT starting at c.5790; the reference has three copies in a row; one copy, 3 bases deleted; also written c.5796_5798del.
Protein change: p.Met1932del; deletes methionine 1932.
Molecular consequence: inframe deletion.
Genome position (GRCh38, 1-based): chr5:13,839,440-13,839,442, ATC deleted on the plus strand (GAT on the coding strand, the reverse complement: DNAH5 is on the minus strand); deleting any 3 consecutive bases within chr5:13,839,440-13,839,448 gives the same sequence; the position shown is the placement nearest the transcript's 3' end. VCF-style (leftmost placement, unchanged base first): chr5-13839439-AATC-A. GRCh37 (hg19) VCF-style: chr5-13839548-AATC-A.
Other names: c.5796_5798del (NM_001369.2); short protein forms M1932del.
Identifiers: ClinVar variation 2732550 (VCV002732550.4), dbSNP rs2546902996, ClinGen allele CA2697547032.

ClinVar aggregate classification (germline): Uncertain significance. Review status: criteria provided, single submitter (1 of 4 stars). 2 submissions from 2 submitters: Uncertain significance (1). 1 of the submissions does not count toward it. Last evaluated 2023-10-22.

Conditions:
Primary ciliary dyskinesia. Also called: Ciliary dyskinesia. Identifiers: Orphanet 244, MedGen C0008780, MONDO:0016575, HP:0012265.

Submissions (2):

Labcorp Genetics (formerly Invitae), Labcorp
Classification: Uncertain significance for Primary ciliary dyskinesia. Last evaluated: 2023-10-22. Review status: criteria provided, single submitter. Criteria: Invitae Variant Classification Sherloc (09022015). Collection method: clinical testing. Allele origin: germline.
Comment: This variant, c.5796_5798del, results in the deletion of 1 amino acid(s) of the DNAH5 protein (p.Met1932del), but otherwise preserves the integrity of the reading frame. This variant is not present in population databases (gnomAD no frequency). This variant has been observed in individual(s) with primary ciliary dyskinesia (Invitae). In at least one individual the data is consistent with being in trans (on the opposite chromosome) from a pathogenic variant. Experimental studies and prediction algorithms are not available or were not evaluated, and the functional significance of this variant is currently unknown. In summary, the available evidence is currently insufficient to determine the role of this variant in disease. Therefore, it has been classified as a Variant of Uncertain Significance.

Natera, Inc.
Classification: Uncertain significance for Primary ciliary dyskinesia. Last evaluated: 2025-02-24. Review status: no assertion criteria provided. Collection method: clinical testing. Allele origin: germline. Not counted in ClinVar's aggregate classification.